The following is an entry in ClinVar:

ClinVar aggregate classification (germline): Uncertain significance (1 of 4 stars; one submission).

Conditions:
Brugada syndrome. Also called: Sudden Unexplained Death Syndrome; Sudden Unexplained Nocturnal Death Syndrome (SUNDS); Sudden unexpected nocturnal death syndrome; Sudden unexplained nocturnal death syndrome. Identifiers: Orphanet 130, MedGen C1142166, MONDO:0015263.

Allele frequency attached by ClinVar (database versions not stated): gnomAD exomes below 0.00001; TOPMed below 0.00001; gnomAD 0.00001.
gnomAD v4.1: 1 of 1,614,146 alleles (0.000062%); highest among the groups gnomAD compares: African/African-American, 0.0013%; no homozygotes.

Submission:

Labcorp Genetics (formerly Invitae), Labcorp
Classification: Uncertain significance for Brugada syndrome. Last evaluated: 2020-03-09. Review status: criteria provided, single submitter. Criteria: Invitae Variant Classification Sherloc (09022015). Collection method: clinical testing. Allele origin: germline.
Comment: In summary, the available evidence is currently insufficient to determine the role of this variant in disease. Therefore, it has been classified as a Variant of Uncertain Significance. Algorithms developed to predict the effect of missense changes on protein structure and function are either unavailable or do not agree on the potential impact of this missense change (SIFT: "Tolerated"; PolyPhen-2: "Probably Damaging"; Align-GVGD: "Class C0"). This variant has not been reported in the literature in individuals with SCN10A-related conditions. This variant is not present in population databases (ExAC no frequency). This sequence change replaces phenylalanine with serine at codon 1160 of the SCN10A protein (p.Phe1160Ser). The phenylalanine residue is moderately conserved and there is a large physicochemical difference between phenylalanine and serine.

NM_006514.4(SCN10A):c.3479T>C (p.Phe1160Ser)

Genes: SCN10A (sodium voltage-gated channel alpha subunit 10; minus strand), LOC110121288 (VISTA enhancer hs2268; plus strand). Cytogenetic location: 3p22.2.
Variant type: single nucleotide variant.
Coding change: c.3479T>C on transcript NM_006514.4 (MANE Select); coding-DNA position 3479, T replaced by C.
Protein change: p.Phe1160Ser; replaces phenylalanine 1160 with serine.
Molecular consequence: missense variant.
Genome position (GRCh38, 1-based): chr3:38,722,286, A>G on the plus strand (T>C on the coding strand, the complement: SCN10A is on the minus strand). VCF-style: chr3-38722286-A-G. GRCh37 (hg19) VCF-style: chr3-38763777-A-G.
Other names: c.3476T>C, p.Phe1159Ser (NM_001293306.2); c.3185T>C, p.Phe1062Ser (NM_001293307.2); short protein forms F1062S, F1159S, F1160S.
Identifiers: ClinVar variation 1006331 (VCV001006331.5), dbSNP rs2063398350, ClinGen allele CA352155240.
Genomic context (GRCh38, chr3:38,722,286, plus strand): 5'-GATTTGGGGGCAGGGACTATGCCTCCCCTTACCAGAGATCCACTGCTGAGCAGGATCATG[A>G]AGATGATGAAGCTCTCAAACCAGCTGTGCTCCACGATACGGTAGCAAGTCTTGCGCACCT-3'
Protein context (NP_006505.4, residues 1150-1170): EHSWFESFII[Phe1160Ser]MILLSSGSLA